The following is an entry in ClinVar:

NM_012335.4(MYO1F):c.579G>A (p.Glu193=)

Gene: MYO1F (myosin IF; minus strand). Cytogenetic location: 19p13.2.
Variant type: single nucleotide variant.
Coding change: c.579G>A on transcript NM_012335.4 (MANE Select); coding-DNA position 579, G replaced by A.
Protein change: p.Glu193=; no amino-acid change (glutamic acid 193 retained).
Molecular consequence: synonymous variant.
Genome position (GRCh38, 1-based): chr19:8,552,090, C>T on the plus strand (G>A on the coding strand, the complement: MYO1F is on the minus strand). VCF-style: chr19-8552090-C-T. GRCh37 (hg19) VCF-style: chr19-8616974-C-T.
Other names: c.579G>A, p.Glu193= (NM_001348355.2).
Identifiers: ClinVar variation 3029917 (VCV003029917.2), dbSNP rs2512447509, ClinGen allele CA505422234.

ClinVar aggregate classification (germline): Likely benign (0 of 4 stars; one submission).

Conditions:
MYO1F-related disorder. Also called: MYO1F-related condition.

Submission:

PreventionGenetics, part of Exact Sciences
Classification: Likely benign for MYO1F-related condition. Last evaluated: 2021-03-22. Review status: no assertion criteria provided. Collection method: clinical testing. Allele origin: germline.
Comment: This variant is classified as likely benign based on ACMG/AMP sequence variant interpretation guidelines (Richards et al. 2015 PMID: 25741868, with internal and published modifications).